The following is an entry in ClinVar:

ClinVar aggregate classification (germline): Conflicting classifications of pathogenicity. Review status: criteria provided, conflicting classifications (1 of 4 stars). 3 submissions from 3 submitters: Uncertain significance (2); Likely benign (1). Last evaluated 2024-11-07.

Conditions:
Hereditary cancer-predisposing syndrome. Also called: Neoplastic Syndromes, Hereditary; Hereditary Cancer Syndrome; Tumor predisposition; Hereditary neoplastic syndrome. Identifiers: Orphanet 140162, MedGen C0027672, MeSH D009386, MONDO:0015356.
Lynch syndrome. Identifiers: Orphanet 144, MedGen C4552100, MONDO:0005835. Disease mechanism: loss of function.
Hereditary nonpolyposis colorectal neoplasms. Identifiers: MedGen C0009405, MeSH D003123.

Allele frequency attached by ClinVar (database versions not stated): gnomAD exomes below 0.00001.
gnomAD v4.1: 1 of 1,614,142 alleles (0.000062%); highest among the groups gnomAD compares: South Asian, 0.0011%; no homozygotes.

Submissions (3):

Ambry Genetics
Classification: Likely benign for Hereditary cancer-predisposing syndrome. Last evaluated: 2024-11-07. Review status: criteria provided, single submitter. Criteria: Ambry Variant Classification Scheme 2023. Collection method: clinical testing. Allele origin: germline.

Labcorp Genetics (formerly Invitae), Labcorp
Classification: Uncertain significance for Hereditary nonpolyposis colorectal neoplasms. Last evaluated: 2021-04-23. Review status: criteria provided, single submitter. Criteria: Invitae Variant Classification Sherloc (09022015). Collection method: clinical testing. Allele origin: germline.
Comment: In summary, the available evidence is currently insufficient to determine the role of this variant in disease. Therefore, it has been classified as a Variant of Uncertain Significance. Advanced modeling of protein sequence and biophysical properties (such as structural, functional, and spatial information, amino acid conservation, physicochemical variation, residue mobility, and thermodynamic stability) performed at Invitae indicates that this missense variant is not expected to disrupt MSH6 protein function. This variant has not been reported in the literature in individuals with MSH6-related conditions. ClinVar contains an entry for this variant (Variation ID: 584615). This variant is not present in population databases (ExAC no frequency). This sequence change replaces glycine with alanine at codon 308 of the MSH6 protein (p.Gly308Ala). The glycine residue is weakly conserved and there is a small physicochemical difference between glycine and alanine.

Mendelics
Classification: Uncertain significance for Lynch syndrome. Last evaluated: 2018-07-02. Review status: criteria provided, single submitter. Criteria: Mendelics Assertion Criteria 2017. Collection method: clinical testing. Allele origin: unknown.

Literature cited by the submitters: PubMed 35264596 (cited by Ambry Genetics).

NM_000179.3(MSH6):c.923G>C (p.Gly308Ala)

Gene: MSH6 (mutS homolog 6; plus strand). Cytogenetic location: 2p16.3.
Variant type: single nucleotide variant.
Coding change: c.923G>C on transcript NM_000179.3 (MANE Select); coding-DNA position 923, G replaced by C.
Protein change: p.Gly308Ala; replaces glycine 308 with alanine.
Molecular consequence: missense variant.
Genome position (GRCh38, 1-based): chr2:47,798,906, G>C. VCF-style: chr2-47798906-G-C. GRCh37 (hg19) VCF-style: chr2-48026045-G-C.
Other names: c.533G>C, p.Gly178Ala (NM_001281492.2); c.17G>C, p.Gly6Ala (NM_001281493.2, NM_001281494.2); c.923G>C (NM_000179.2); short protein forms G308A, G6A, G178A.
Identifiers: ClinVar variation 584615 (VCV000584615.11), dbSNP rs1553412354, ClinGen allele CA346740745.
Genomic context (GRCh38, chr2:47,798,906, plus strand): 5'-AAGGCCTGAACAGCCCTGTCAAAGTTGCTCGAAAGCGGAAGAGAATGGTGACTGGAAATG[G>C]CTCTCTTAAAAGGAAAAGCTCTAGGAAGGAAACGCCCTCAGCCACCAAACAAGCAACTAG-3'
Protein context (NP_000170.1, residues 298-318): RKRKRMVTGN[Gly308Ala]SLKRKSSRKE